The following is an entry in ClinVar:

NM_025152.3(NUBPL):c.815-180A>G

Gene: NUBPL (NUBP iron-sulfur cluster assembly factor, mitochondrial; plus strand). Cytogenetic location: 14q12.
Variant type: single nucleotide variant.
Coding change: c.815-180A>G on transcript NM_025152.3 (MANE Select); 180 bases into the intron before coding-DNA position 815, A replaced by G.
Molecular consequence: intron variant.
Genome position (GRCh38, 1-based): chr14:31,849,939, A>G. VCF-style: chr14-31849939-A-G. GRCh37 (hg19) VCF-style: chr14-32319145-A-G.
Other names: c.527-180A>G (NM_001201573.2); c.266-180A>G (NM_001201574.2).
Identifiers: ClinVar variation 673316 (VCV000673316.1), dbSNP rs113235453, ClinGen allele CA259021997.

ClinVar aggregate classification (germline): Benign (1 of 4 stars; one submission).

Allele frequency attached by ClinVar (database versions not stated): 1000 Genomes Project 0.01737; 1000 Genomes Project 30x 0.01827; TOPMed 0.03398; gnomAD 0.03474 and 0.03561; gnomAD exomes 0.04246.
gnomAD v4.1: 25,712 of 633,004 alleles (4.1%); highest among the groups gnomAD compares: Non-Finnish European, 5.4%; 676 homozygotes.

Submission:

GeneDx
Classification: Benign. Last evaluated: 2018-06-14. Review status: criteria provided, single submitter. Criteria: GeneDx Variant Classification (06012015). Collection method: clinical testing. Allele origin: germline. Affected: yes.
Comment: This variant is considered likely benign or benign based on one or more of the following criteria: it is a conservative change, it occurs at a poorly conserved position in the protein, it is predicted to be benign by multiple in silico algorithms, and/or has population frequency not consistent with disease.